The following is an entry in ClinVar:

NM_001267550.2(TTN):c.4475A>T (p.His1492Leu)

Genes: TTN (titin; minus strand), LOC101927055 (uncharacterized LOC101927055; plus strand). Cytogenetic location: 2q31.2.
Variant type: single nucleotide variant.
Coding change: c.4475A>T on transcript NM_001267550.2 (MANE Select); coding-DNA position 4475, A replaced by T.
Protein change: p.His1492Leu; replaces histidine 1492 with leucine.
Molecular consequence: missense variant. On other transcripts: non-coding transcript variant (1).
Genome position (GRCh38, 1-based): chr2:178,777,709, T>A on the plus strand (A>T on the coding strand, the complement: TTN is on the minus strand). VCF-style: chr2-178777709-T-A. GRCh37 (hg19) VCF-style: chr2-179642436-T-A.
Other names: c.4475A>T, p.His1492Leu (NM_001256850.1, NM_133378.4, NM_133379.5); c.4337A>T, p.His1446Leu (NM_003319.4, NM_133432.3, NM_133437.4); short protein forms H1446L, H1492L.
Identifiers: ClinVar variation 1739820 (VCV001739820.2), dbSNP rs370564790, ClinGen allele CA2005321.

ClinVar aggregate classification (germline): Uncertain significance (1 of 4 stars; one submission).

Conditions:
Cardiovascular phenotype. Identifiers: MedGen CN230736.

Allele frequency attached by ClinVar (database versions not stated): gnomAD exomes below 0.00001; TOPMed below 0.00001; ExAC 0.00001; ESP Exome Variant Server 0.00008.
gnomAD v4.1: 1 of 1,614,106 alleles (0.000062%); highest among the groups gnomAD compares: African/African-American, 0.0013%; no homozygotes.

Submission:

Ambry Genetics
Classification: Uncertain significance for Cardiovascular phenotype. Last evaluated: 2018-12-19. Review status: criteria provided, single submitter. Criteria: Ambry Variant Classification Scheme 2023. Collection method: clinical testing. Allele origin: germline.
Comment: The p.H1446L variant (also known as c.4337A>T), located in coding exon 23 of the TTN gene, results from an A to T substitution at nucleotide position 4337. The histidine at codon 1446 is replaced by leucine, an amino acid with similar properties. This amino acid position is highly conserved in available vertebrate species. In addition, the in silico prediction for this alteration is inconclusive. Since supporting evidence is limited at this time, the clinical significance of this alteration remains unclear.